The following is an entry in ClinVar:

NM_004380.3(CREBBP):c.4529C>T (p.Ala1510Val)

Gene: CREBBP (CREB binding lysine acetyltransferase; minus strand). Cytogenetic location: 16p13.3.
Variant type: single nucleotide variant.
Coding change: c.4529C>T on transcript NM_004380.3 (MANE Select); coding-DNA position 4529, C replaced by T.
Protein change: p.Ala1510Val; replaces alanine 1510 with valine.
Molecular consequence: missense variant.
Genome position (GRCh38, 1-based): chr16:3,736,681, G>A on the plus strand (C>T on the coding strand, the complement: CREBBP is on the minus strand). VCF-style: chr16-3736681-G-A. GRCh37 (hg19) VCF-style: chr16-3786682-G-A.
Other names: c.4415C>T, p.Ala1472Val (NM_001079846.1); c.4529C>T (NM_004380.2); short protein forms A1472V, A1510V.
Identifiers: ClinVar variation 1694786 (VCV001694786.33), dbSNP rs780939128, ClinGen allele CA7869513.
Genomic context (GRCh38, chr16:3,736,681, plus strand): 5'-AGCCACCACCTTCCTTCAGCGCCGGGTACCTTGTAGTCATGGATGATCCGCTCTGCAAAC[G>A]CCTTGTCCAGCATCTTTTTGTACCACTCCTGCAGTCGTTTTGGCTTGGGTATTTTTTGAT-3'
Protein context (NP_004371.2, residues 1500-1520): QEWYKKMLDK[Ala1510Val]FAERIIHDYK

ClinVar aggregate classification (germline): Uncertain significance. Review status: criteria provided, multiple submitters, no conflicts (2 of 4 stars). 2 submissions from 2 submitters: Uncertain significance (2). Last evaluated 2023-07-25.

Conditions:
Inborn genetic diseases. Identifiers: MedGen C0950123, MeSH D030342.

Allele frequency attached by ClinVar (database versions not stated): gnomAD exomes below 0.00001; TOPMed below 0.00001; ExAC 0.00001.
gnomAD v4.1: 6 of 1,614,152 alleles (0.00037%); highest among the groups gnomAD compares: South Asian, 0.0022%; no homozygotes.

Submissions (2):

Ambry Genetics
Classification: Uncertain significance for Inborn genetic diseases. Last evaluated: 2023-07-25. Review status: criteria provided, single submitter. Criteria: Ambry Variant Classification Scheme 2023. Collection method: clinical testing. Allele origin: germline.

CeGaT Center for Human Genetics Tuebingen
Classification: Uncertain significance. Last evaluated: 2022-06-01. Review status: criteria provided, single submitter. Criteria: CeGaT Center For Human Genetics Tuebingen Variant Classification Criteria Version 2. Collection method: clinical testing. Allele origin: germline. Affected: yes. Observed: 1 variant allele.
Comment: CREBBP: PM2:Supporting, PP2, PP3